The following is an entry in ClinVar:

NM_000503.6(EYA1):c.1433G>A (p.Trp478Ter)

Gene: EYA1 (EYA transcriptional coactivator and phosphatase 1; minus strand). Cytogenetic location: 8q13.3.
Variant type: single nucleotide variant.
Coding change: c.1433G>A on transcript NM_000503.6 (MANE Select); coding-DNA position 1433, G replaced by A.
Protein change: p.Trp478Ter; replaces tryptophan 478 with a stop codon.
Molecular consequence: nonsense.
Genome position (GRCh38, 1-based): chr8:71,215,656, C>T on the plus strand (G>A on the coding strand, the complement: EYA1 is on the minus strand). VCF-style: chr8-71215656-C-T. GRCh37 (hg19) VCF-style: chr8-72127891-C-T.
Other names: c.1433G>A (NM_000503.4); c.1415G>A, p.Trp472Ter (NM_001288574.2, NM_172059.5); c.1067G>A, p.Trp356Ter (NM_001288575.2); c.1520G>A, p.Trp507Ter (NM_001370333.1); c.1433G>A, p.Trp478Ter (NM_001370334.1, NM_001370335.1, NM_172058.4); c.1412G>A, p.Trp471Ter (NM_001370336.1); short protein forms W356*, W478*, W472*, W507*, W471*.
Identifiers: ClinVar variation 957904 (VCV000957904.8), dbSNP rs1475718221, ClinGen allele CA371466402.
Genomic context (GRCh38, chr8:71,215,656, plus strand): 5'-CCCCGCAGAGAGCCTCACCGGGAGTGAATGAGCGAGAGTGCTTTCAGGGCCAGTGTCAAC[C>T]AGGAGTCGGTCAGGGCTTCAATTTCGGCCCTCAACTGCAGCCAGGCTTCCCTCTTAGCTG-3'

ClinVar aggregate classification (germline): Pathogenic/Likely pathogenic. Review status: criteria provided, multiple submitters, no conflicts (2 of 4 stars). 2 submissions from 2 submitters: Pathogenic (1); Likely pathogenic (1). Last evaluated 2023-03-14.

Conditions:
Melnick-Fraser syndrome (BOR). Also called: Branchiootorenal syndrome; Branchio-oto-renal syndrome; Branchiootorenal Syndrome (BORS). Identifiers: Orphanet 107, MedGen C0265234, MONDO:0007029.

Submissions (2):

GeneDx
Classification: Likely pathogenic. Last evaluated: 2023-03-14. Review status: criteria provided, single submitter. Criteria: GeneDx Variant Classification Process June 2021. Collection method: clinical testing. Allele origin: germline. Affected: yes.
Comment: Nonsense variant predicted to result in protein truncation or nonsense mediated decay in a gene for which loss of function is a known mechanism of disease; Not observed at significant frequency in large population cohorts (gnomAD); Has not been previously published as pathogenic or benign to our knowledge

Labcorp Genetics (formerly Invitae), Labcorp
Classification: Pathogenic for Melnick-Fraser syndrome. Last evaluated: 2019-11-06. Review status: criteria provided, single submitter. Criteria: Invitae Variant Classification Sherloc (09022015). Collection method: clinical testing. Allele origin: germline.
Comment: Loss-of-function variants in EYA1 are known to be pathogenic (PMID: 10464653, 18220287). For these reasons, this variant has been classified as Pathogenic. Algorithms developed to predict the effect of sequence changes on RNA splicing suggest that this variant may create or strengthen a splice site, but this prediction has not been confirmed by published transcriptional studies. This variant has not been reported in the literature in individuals with EYA1-related conditions. This variant is not present in population databases (ExAC no frequency). This sequence change creates a premature translational stop signal (p.Trp478*) in the EYA1 gene. It is expected to result in an absent or disrupted protein product.

Literature cited by the submitters: PubMed 10464653 (cited by Labcorp Genetics (formerly Invitae), Labcorp); PubMed 18220287 (cited by Labcorp Genetics (formerly Invitae), Labcorp).